The following is an entry in ClinVar:

ClinVar aggregate classification (germline): Uncertain significance. Review status: criteria provided, multiple submitters, no conflicts (2 of 4 stars). 2 submissions from 2 submitters: Uncertain significance (2). Last evaluated 2025-05-07.

Allele frequency attached by ClinVar (database versions not stated): gnomAD exomes 0.00002; gnomAD 0.00003; ExAC 0.00004; TOPMed 0.00004.
gnomAD v4.1: 42 of 1,613,832 alleles (0.0026%); highest among the groups gnomAD compares: Middle Eastern, 0.066%; no homozygotes.

Submissions (2):

Ambry Genetics
Classification: Uncertain significance. Last evaluated: 2025-05-07. Review status: criteria provided, single submitter. Criteria: Ambry Variant Classification Scheme 2023. Collection method: clinical testing. Allele origin: germline.

Labcorp Genetics (formerly Invitae), Labcorp
Classification: Uncertain significance. Last evaluated: 2024-10-08. Review status: criteria provided, single submitter. Criteria: Invitae Variant Classification Sherloc (09022015). Collection method: clinical testing. Allele origin: germline.
Comment: This sequence change replaces arginine, which is basic and polar, with histidine, which is basic and polar, at codon 562 of the NIN protein (p.Arg562His). This variant is present in population databases (rs758664546, gnomAD 0.02%). This variant has not been reported in the literature in individuals affected with NIN-related conditions. ClinVar contains an entry for this variant (Variation ID: 1931375). An algorithm developed to predict the effect of missense changes on protein structure and function outputs the following: PolyPhen-2: "Benign". The histidine amino acid residue is found in multiple mammalian species, which suggests that this missense change does not adversely affect protein function. In summary, the available evidence is currently insufficient to determine the role of this variant in disease. Therefore, it has been classified as a Variant of Uncertain Significance.

NM_020921.4(NIN):c.1685G>A (p.Arg562His)

Gene: NIN (ninein; minus strand). Cytogenetic location: 14q22.1.
Variant type: single nucleotide variant.
Coding change: c.1685G>A on transcript NM_020921.4 (MANE Select); coding-DNA position 1685, G replaced by A.
Protein change: p.Arg562His; replaces arginine 562 with histidine.
Molecular consequence: missense variant.
Genome position (GRCh38, 1-based): chr14:50,763,915, C>T on the plus strand (G>A on the coding strand, the complement: NIN is on the minus strand). VCF-style: chr14-50763915-C-T. GRCh37 (hg19) VCF-style: chr14-51230633-C-T.
Other names: c.1685G>A, p.Arg562His (NM_016350.5, NM_182944.3, NM_182946.2); short protein forms R562H.
Identifiers: ClinVar variation 1931375 (VCV001931375.7), dbSNP rs758664546, ClinGen allele CA7182117.